The following is an entry in ClinVar:

ClinVar aggregate classification (germline): Benign (0 of 4 stars; one submission).

Conditions:
HIVEP3-related disorder. Also called: HIVEP3-related condition.

Allele frequency attached by ClinVar (database versions not stated): ESP Exome Variant Server 0.02599; TOPMed 0.02611; gnomAD 0.03428; 1000 Genomes Project 0.03754; 1000 Genomes Project 30x 0.03810; ExAC 0.04533.
gnomAD v4.1: 59,752 of 1,614,024 alleles (3.7%); highest among the groups gnomAD compares: South Asian, 7.8%; 1,397 homozygotes.

Submission:

PreventionGenetics, part of Exact Sciences
Classification: Benign for HIVEP3-related condition. Last evaluated: 2019-12-06. Review status: no assertion criteria provided. Collection method: clinical testing. Allele origin: germline.
Comment: This variant is classified as benign based on ACMG/AMP sequence variant interpretation guidelines (Richards et al. 2015 PMID: 25741868, with internal and published modifications).

NM_024503.5(HIVEP3):c.3169T>A (p.Ser1057Thr)

Gene: HIVEP3 (HIVEP zinc finger 3; minus strand). Cytogenetic location: 1p34.2.
Variant type: single nucleotide variant.
Coding change: c.3169T>A on transcript NM_024503.5 (MANE Select); coding-DNA position 3169, T replaced by A.
Protein change: p.Ser1057Thr; replaces serine 1057 with threonine.
Molecular consequence: missense variant.
Genome position (GRCh38, 1-based): chr1:41,581,629, A>T on the plus strand (T>A on the coding strand, the complement: HIVEP3 is on the minus strand). VCF-style: chr1-41581629-A-T. GRCh37 (hg19) VCF-style: chr1-42047300-A-T.
Other names: c.3169T>A, p.Ser1057Thr (NM_001127714.3); short protein forms S1057T.
Identifiers: ClinVar variation 3037716 (VCV003037716.2), dbSNP rs41269473, ClinGen allele CA797909.